The following is an entry in ClinVar:

NM_138694.4(PKHD1):c.12153A>C (p.Lys4051Asn)

Gene: PKHD1 (PKHD1 ciliary IPT domain containing fibrocystin/polyductin; minus strand). Cytogenetic location: 6p12.3.
Variant type: single nucleotide variant.
Coding change: c.12153A>C on transcript NM_138694.4 (MANE Select); coding-DNA position 12153, A replaced by C.
Protein change: p.Lys4051Asn; replaces lysine 4051 with asparagine.
Molecular consequence: missense variant.
Genome position (GRCh38, 1-based): chr6:51,619,153, T>G on the plus strand (A>C on the coding strand, the complement: PKHD1 is on the minus strand). VCF-style: chr6-51619153-T-G. GRCh37 (hg19) VCF-style: chr6-51483951-T-G.
Other names: short protein forms K4051N.
Identifiers: ClinVar variation 4804526 (VCV004804526.1).

ClinVar aggregate classification (germline): Uncertain significance (1 of 4 stars; one submission).

Conditions:
Autosomal recessive polycystic kidney disease (ARPKD). Also called: AR polycystic kidney disease. Identifiers: Orphanet 731, Orphanet 8378, MedGen C0085548, MeSH D017044, MONDO:0009889.

gnomAD v4.1: 2 of 1,614,256 alleles (0.00012%); highest among the groups gnomAD compares: Non-Finnish European, 0.00017%; no homozygotes.

Submission:

Labcorp Genetics (formerly Invitae), Labcorp
Classification: Uncertain significance for Autosomal recessive polycystic kidney disease. Last evaluated: 2025-08-10. Review status: criteria provided, single submitter. Criteria: Invitae Variant Classification Sherloc (09022015). Collection method: clinical testing. Allele origin: germline.
Comment: This sequence change replaces lysine, which is basic and polar, with asparagine, which is neutral and polar, at codon 4051 of the PKHD1 protein (p.Lys4051Asn). This variant is present in population databases (no rsID available, gnomAD 0.0009%). This variant has not been reported in the literature in individuals affected with PKHD1-related conditions. Invitae Evidence Modeling of protein sequence and biophysical properties (such as structural, functional, and spatial information, amino acid conservation, physicochemical variation, residue mobility, and thermodynamic stability) indicates that this missense variant is not expected to disrupt PKHD1 protein function with a negative predictive value of 95%. In summary, the available evidence is currently insufficient to determine the role of this variant in disease. Therefore, it has been classified as a Variant of Uncertain Significance.